The following is an entry in ClinVar:

NM_001329943.3(KIAA0586):c.1785A>T (p.Val595=)

Gene: KIAA0586 (KIAA0586; plus strand). Cytogenetic location: 14q23.1.
Variant type: single nucleotide variant.
Coding change: c.1785A>T on transcript NM_001329943.3 (MANE Select); coding-DNA position 1785, A replaced by T.
Protein change: p.Val595=; no amino-acid change (valine 595 retained).
Molecular consequence: synonymous variant. On other transcripts: intron variant (1).
Genome position (GRCh38, 1-based): chr14:58,459,971, A>T. VCF-style: chr14-58459971-A-T. GRCh37 (hg19) VCF-style: chr14-58926689-A-T.
Other names: c.1944A>T (NM_001244189.1); c.1944A>T, p.Val648= (NM_001244189.2); c.1740A>T, p.Val580= (NM_001244190.2); c.1530A>T, p.Val510= (NM_001244191.2, NM_001329945.2, NM_001364700.1 and 1 more transcripts); c.1653A>T, p.Val551= (NM_001244192.2); c.1365A>T, p.Val455= (NM_001244193.2); c.1785A>T, p.Val595= (NM_001329944.2, NM_001329946.2, NM_001329947.2); c.1657-1015A>T (NM_014749.5).
Identifiers: ClinVar variation 1538796 (VCV001538796.10), dbSNP rs371990780, ClinGen allele CA261626273.
Genomic context (GRCh38, chr14:58,459,971, plus strand): 5'-TCAGAATATGACTAAAGATATTAGAACCAACACACAAGATAAAACTGTCAACAAATCTGT[A>T]ATTCCAAGAAAACATTCTCAAAAGCAAATAGAAGAGCATTTTAGAAATCTACCTATGAGG-3'
Protein context (NP_001316872.1, residues 585-605): NTQDKTVNKS[Val595=]IPRKHSQKQI

ClinVar aggregate classification (germline): Likely benign. Review status: criteria provided, single submitter (1 of 4 stars). 2 submissions from 2 submitters: Likely benign (1). 1 of the submissions does not count toward it. Last evaluated 2024-07-30.

Conditions:
Short-rib thoracic dysplasia 14 with polydactyly (SRTD14). Identifiers: Orphanet 397715, MedGen C4225286, MONDO:0014688, OMIM 616546.
Joubert syndrome 23 (JBTS23). Identifiers: Orphanet 475, MedGen C4084822, MONDO:0014664, OMIM 616490.
KIAA0586-related disorder. Also called: KIAA0586- Related disorders; KIAA0586-related condition.

Allele frequency attached by ClinVar (database versions not stated): TOPMed 0.00003; gnomAD 0.00006 and 0.00007.
gnomAD v4.1: 12 of 1,534,350 alleles (0.00078%); highest among the groups gnomAD compares: African/African-American, 0.014%; no homozygotes.

Submissions (2):

Labcorp Genetics (formerly Invitae), Labcorp
Classification: Likely benign for Joubert syndrome 23; Short-rib thoracic dysplasia 14 with polydactyly. Last evaluated: 2024-07-30. Review status: criteria provided, single submitter. Criteria: Invitae Variant Classification Sherloc (09022015). Collection method: clinical testing. Allele origin: germline.

PreventionGenetics, part of Exact Sciences
Classification: Likely benign for KIAA0586-related condition. Last evaluated: 2023-05-16. Review status: no assertion criteria provided. Collection method: clinical testing. Allele origin: germline. Not counted in ClinVar's aggregate classification.
Comment: This variant is classified as likely benign based on ACMG/AMP sequence variant interpretation guidelines (Richards et al. 2015 PMID: 25741868, with internal and published modifications).